The following is an entry in ClinVar:

ClinVar aggregate classification (germline): Uncertain significance (1 of 4 stars; one submission).

Conditions:
Neuropathy, hereditary sensory, type 2C. Also called: KIF1A-Related HSAN2 (HSAN2C); Hereditary sensory and autonomic neuropathy type IIC. Identifiers: Orphanet 970, MedGen C3280168, MONDO:0013634, OMIM 614213.
Hereditary spastic paraplegia 30. Identifiers: Orphanet 101010, MedGen C5235139, MONDO:0012476.
Intellectual disability, autosomal dominant 9 (NESCAVS). Also called: NESCAV SYNDROME; KIF1A-Related Neurodevelopmental Disorder. Identifiers: Orphanet 662367, MedGen C5393830, MONDO:0013656, OMIM 614255.

Submission:

Labcorp Genetics (formerly Invitae), Labcorp
Classification: Uncertain significance for Hereditary spastic paraplegia 30; Neuropathy, hereditary sensory, type 2C; Intellectual disability, autosomal dominant 9. Last evaluated: 2023-11-24. Review status: criteria provided, single submitter. Criteria: Invitae Variant Classification Sherloc (09022015). Collection method: clinical testing. Allele origin: germline.
Comment: This sequence change replaces methionine, which is neutral and non-polar, with isoleucine, which is neutral and non-polar, at codon 1484 of the KIF1A protein (p.Met1484Ile). This variant is not present in population databases (gnomAD no frequency). This variant has not been reported in the literature in individuals affected with KIF1A-related conditions. Advanced modeling of protein sequence and biophysical properties (such as structural, functional, and spatial information, amino acid conservation, physicochemical variation, residue mobility, and thermodynamic stability) performed at Invitae indicates that this missense variant is not expected to disrupt KIF1A protein function with a negative predictive value of 95%. In summary, the available evidence is currently insufficient to determine the role of this variant in disease. Therefore, it has been classified as a Variant of Uncertain Significance.

NM_001244008.2(KIF1A):c.4755G>A (p.Met1585Ile)

Gene: KIF1A (kinesin family member 1A; minus strand). Cytogenetic location: 2q37.3.
Variant type: single nucleotide variant.
Coding change: c.4755G>A on transcript NM_001244008.2 (MANE Select); coding-DNA position 4755, G replaced by A.
Protein change: p.Met1585Ile; replaces methionine 1585 with isoleucine.
Molecular consequence: missense variant.
Genome position (GRCh38, 1-based): chr2:240,721,027, C>T on the plus strand (G>A on the coding strand, the complement: KIF1A is on the minus strand). VCF-style: chr2-240721027-C-T. GRCh37 (hg19) VCF-style: chr2-241660444-C-T.
Other names: c.4479G>A, p.Met1493Ile (NM_001320705.2, NM_001379649.1); c.4506G>A, p.Met1502Ile (NM_001330289.2); c.4554G>A, p.Met1518Ile (NM_001330290.2, NM_001379648.1); c.4830G>A, p.Met1610Ile (NM_001379631.1); c.4731G>A, p.Met1577Ile (NM_001379632.1); c.4728G>A, p.Met1576Ile (NM_001379633.1, NM_001379645.1); c.4581G>A, p.Met1527Ile (NM_001379634.1); c.4578G>A, p.Met1526Ile (NM_001379635.1, NM_001379646.1); and 7 more; short protein forms M1501I, M1509I, M1522I, M1585I, M1492I, M1493I, M1526I, M1610I.
Identifiers: ClinVar variation 2939036 (VCV002939036.3), dbSNP rs2536657294, ClinGen allele CA351302044.